The following is an entry in ClinVar:

NM_006302.3(MOGS):c.1924G>A (p.Glu642Lys)

Gene: MOGS (mannosyl-oligosaccharide glucosidase; minus strand). Cytogenetic location: 2p13.1.
Variant type: single nucleotide variant.
Coding change: c.1924G>A on transcript NM_006302.3 (MANE Select); coding-DNA position 1924, G replaced by A.
Protein change: p.Glu642Lys; replaces glutamic acid 642 with lysine.
Molecular consequence: missense variant.
Genome position (GRCh38, 1-based): chr2:74,461,865, C>T on the plus strand (G>A on the coding strand, the complement: MOGS is on the minus strand). VCF-style: chr2-74461865-C-T. GRCh37 (hg19) VCF-style: chr2-74688992-C-T.
Other names: c.1606G>A, p.Glu536Lys (NM_001146158.2); short protein forms E642K, E536K.
Identifiers: ClinVar variation 952023 (VCV000952023.7), dbSNP rs776033415, ClinGen allele CA50475325.

ClinVar aggregate classification (germline): Uncertain significance (1 of 4 stars; one submission).

Conditions:
MOGS-congenital disorder of glycosylation. Also called: MOGS-CDG; GLUCOSIDASE I DEFICIENCY; CDG IIb; CDG 2B. Identifiers: Orphanet 79330, MedGen C1853736, MONDO:0011629, OMIM 606056.

Allele frequency attached by ClinVar (database versions not stated): gnomAD 0.00001; gnomAD exomes 0.00001; TOPMed 0.00001.

Submission:

Labcorp Genetics (formerly Invitae), Labcorp
Classification: Uncertain significance for MOGS-congenital disorder of glycosylation. Last evaluated: 2021-08-24. Review status: criteria provided, single submitter. Criteria: Invitae Variant Classification Sherloc (09022015). Collection method: clinical testing. Allele origin: germline.
Comment: This sequence change replaces glutamic acid with lysine at codon 642 of the MOGS protein (p.Glu642Lys). The glutamic acid residue is moderately conserved and there is a small physicochemical difference between glutamic acid and lysine. This variant is not present in population databases (ExAC no frequency). This variant has not been reported in the literature in individuals affected with MOGS-related conditions. Algorithms developed to predict the effect of missense changes on protein structure and function output the following: SIFT: "Tolerated"; PolyPhen-2: "Benign"; Align-GVGD: "Class C0". The lysine amino acid residue is found in multiple mammalian species, which suggests that this missense change does not adversely affect protein function. In summary, the available evidence is currently insufficient to determine the role of this variant in disease. Therefore, it has been classified as a Variant of Uncertain Significance.